The following is an entry in ClinVar:

NM_000399.5(EGR2):c.1277G>A (p.Arg426Gln)

Gene: EGR2 (early growth response 2; minus strand). Cytogenetic location: 10q21.3.
Variant type: single nucleotide variant.
Coding change: c.1277G>A on transcript NM_000399.5 (MANE Select); coding-DNA position 1277, G replaced by A.
Protein change: p.Arg426Gln; replaces arginine 426 with glutamine.
Molecular consequence: missense variant.
Genome position (GRCh38, 1-based): chr10:62,813,361, C>T on the plus strand (G>A on the coding strand, the complement: EGR2 is on the minus strand). VCF-style: chr10-62813361-C-T. GRCh37 (hg19) VCF-style: chr10-64573121-C-T.
Other names: c.1277G>A, p.Arg426Gln (NM_001136177.3, NM_001136178.2); c.1127G>A, p.Arg376Gln (NM_001136179.3, NM_001321037.2); c.1277G>A (NM_000399.4); short protein forms R426Q, R376Q.
Identifiers: ClinVar variation 531676 (VCV000531676.14), dbSNP rs780825035, ClinGen allele CA5517163.

ClinVar aggregate classification (germline): Uncertain significance. Review status: criteria provided, multiple submitters, no conflicts (2 of 4 stars). 4 submissions from 4 submitters: Uncertain significance (4). Last evaluated 2026-09-15.

Conditions:
Charcot-Marie-Tooth disease, type I (CMT1). Also called: Charcot-Marie-Tooth, Type 1; Charcot-Marie-Tooth disease type 1. Identifiers: Orphanet 65753, MedGen C0751036, MONDO:0019011.
EGR2-related disorder. Also called: EGR2-related condition.

Allele frequency attached by ClinVar (database versions not stated): gnomAD 0.00001; gnomAD exomes 0.00001 and 0.00003; TOPMed 0.00001; ExAC 0.00002.
gnomAD v4.1: 46 of 1,604,728 alleles (0.0029%); highest among the groups gnomAD compares: Non-Finnish European, 0.0035%; no homozygotes.

Submissions (4):

PreventionGenetics, part of Exact Sciences
Classification: Uncertain significance for EGR2-related condition. Last evaluated: 2026-09-15. Review status: criteria provided, single submitter. Criteria: ACMG Guidelines, 2015. Collection method: clinical testing. Allele origin: germline.
Comment: The EGR2 c.1277G>A variant is predicted to result in the amino acid substitution p.Arg426Gln. To our knowledge, this variant has not been reported in the literature. This variant is reported in 0.0029% of alleles in individuals of Latino descent in gnomAD. At this time, the clinical significance of this variant is uncertain due to the absence of conclusive functional and genetic evidence.

CeGaT Center for Human Genetics Tuebingen
Classification: Uncertain significance. Last evaluated: 2026-08-01. Review status: criteria provided, single submitter. Criteria: CeGaT Center For Human Genetics Tuebingen Variant Classification Criteria Version 2. Collection method: clinical testing. Allele origin: germline. Affected: yes. Observed: 1 variant allele.
Comment: EGR2: PM2

Labcorp Genetics (formerly Invitae), Labcorp
Classification: Uncertain significance for Charcot-Marie-Tooth disease, type I. Last evaluated: 2024-11-24. Review status: criteria provided, single submitter. Criteria: Invitae Variant Classification Sherloc (09022015). Collection method: clinical testing. Allele origin: germline.
Comment: This sequence change replaces arginine, which is basic and polar, with glutamine, which is neutral and polar, at codon 426 of the EGR2 protein (p.Arg426Gln). This variant is present in population databases (rs780825035, gnomAD 0.003%). This variant has not been reported in the literature in individuals affected with EGR2-related conditions. ClinVar contains an entry for this variant (Variation ID: 531676). Invitae Evidence Modeling of protein sequence and biophysical properties (such as structural, functional, and spatial information, amino acid conservation, physicochemical variation, residue mobility, and thermodynamic stability) indicates that this missense variant is not expected to disrupt EGR2 protein function with a negative predictive value of 80%. In summary, the available evidence is currently insufficient to determine the role of this variant in disease. Therefore, it has been classified as a Variant of Uncertain Significance.

GeneDx
Classification: Uncertain significance. Last evaluated: 2022-02-18. Review status: criteria provided, single submitter. Criteria: GeneDx Variant Classification Process June 2021. Collection method: clinical testing. Allele origin: germline. Affected: yes.
Comment: In silico analysis supports that this missense variant does not alter protein structure/function; Has not been previously published as pathogenic or benign to our knowledge; This variant is associated with the following publications: (PMID: 24920063)